The following is an entry in ClinVar:

NM_000186.4(CFH):c.2702G>C (p.Cys901Ser)

Gene: CFH (complement factor H; plus strand). Cytogenetic location: 1q31.3.
Variant type: single nucleotide variant.
Coding change: c.2702G>C on transcript NM_000186.4 (MANE Select); coding-DNA position 2702, G replaced by C.
Protein change: p.Cys901Ser; replaces cysteine 901 with serine.
Molecular consequence: missense variant.
Genome position (GRCh38, 1-based): chr1:196,737,580, G>C. VCF-style: chr1-196737580-G-C. GRCh37 (hg19) VCF-style: chr1-196706710-G-C.
Other names: short protein forms C901S.
Identifiers: ClinVar variation 1713659 (VCV001713659.6), dbSNP rs2529534617, ClinGen allele CA343993978.

ClinVar aggregate classification (germline): Uncertain significance. Review status: criteria provided, multiple submitters, no conflicts (2 of 4 stars). 2 submissions from 2 submitters: Uncertain significance (2). Last evaluated 2023-04-24.

Allele frequency attached by ClinVar (database versions not stated): gnomAD exomes below 0.00001.
gnomAD v4.1: 1 of 1,613,388 alleles (0.000062%); highest among the groups gnomAD compares: East Asian, 0.0022%; no homozygotes.

Submissions (2):

Labcorp Genetics (formerly Invitae), Labcorp
Classification: Uncertain significance. Last evaluated: 2023-04-24. Review status: criteria provided, single submitter. Criteria: Invitae Variant Classification Sherloc (09022015). Collection method: clinical testing. Allele origin: germline.
Comment: This variant has not been reported in the literature in individuals affected with CFH-related conditions. In summary, the available evidence is currently insufficient to determine the role of this variant in disease. Therefore, it has been classified as a Variant of Uncertain Significance. An algorithm developed to predict the effect of missense changes on protein structure and function (PolyPhen-2) suggests that this variant is likely to be disruptive. ClinVar contains an entry for this variant (Variation ID: 1713659). This variant is not present in population databases (gnomAD no frequency). This sequence change replaces cysteine, which is neutral and slightly polar, with serine, which is neutral and polar, at codon 901 of the CFH protein (p.Cys901Ser).

Blueprint Genetics
Classification: Uncertain significance. Last evaluated: 2022-10-20. Review status: criteria provided, single submitter. Criteria: ACMG Guidelines, 2015. Collection method: clinical testing. Allele origin: germline.